The following is an entry in ClinVar:

ClinVar aggregate classification (germline): Uncertain significance (1 of 4 stars; one submission).

gnomAD v4.1: 8 of 1,612,382 alleles (0.0005%); highest among the groups gnomAD compares: African/African-American, 0.0093%; no homozygotes.

Submission:

Women's Health and Genetics/Laboratory Corporation of America, LabCorp
Classification: Uncertain significance. Last evaluated: 2026-02-13. Review status: criteria provided, single submitter. Criteria: LabCorp Variant Classification Summary - May 2015. Collection method: clinical testing. Allele origin: germline.
Comment: Variant summary: CD96 c.61+4A>G alters a conserved nucleotide located close to a canonical splice site and therefore could affect mRNA splicing, leading to a significantly altered protein sequence. Several computational tools predict a significant impact on normal splicing: Three predict the variant weakens the canonical 5' donor site. One predict the variant abolishes the canonical 5' splicing donor site. One predict the variant no significant impact on splicing. However, these predictions have yet to be confirmed by functional studies. The variant allele was found at a frequency of 2.4e-05 in 250500 control chromosomes, predominantly at a frequency of 0.00037 within the African or African-American subpopulation in the gnomAD database. The available data on variant occurrences in the general population are insufficient to allow any conclusion about variant significance. To our knowledge, no occurrence of c.61+4A>G in individuals affected with CD96-related conditions and no experimental evidence demonstrating its impact on protein function have been reported. No submitters have cited clinical-significance assessments for this variant to ClinVar. Based on the evidence outlined above, the variant was classified as uncertain significance.

NM_005816.5(CD96):c.61+4A>G

Gene: CD96 (CD96 molecule; plus strand). Cytogenetic location: 3q13.13.
Variant type: single nucleotide variant.
Coding change: c.61+4A>G on transcript NM_005816.5 (MANE Select); 4 bases into the intron after coding-DNA position 61, A replaced by G.
Molecular consequence: intron variant.
Genome position (GRCh38, 1-based): chr3:111,542,313, A>G. VCF-style: chr3-111542313-A-G. GRCh37 (hg19) VCF-style: chr3-111261160-A-G.
Other names: c.61+4A>G (NM_198196.3, NM_001410800.1, NM_001318889.2).
Identifiers: ClinVar variation 4847850 (VCV004847850.1).